The following is an entry in ClinVar:

NM_000361.3(THBD):c.254G>A (p.Arg85His)

Gene: THBD (thrombomodulin; minus strand). Cytogenetic location: 20p11.21.
Variant type: single nucleotide variant.
Coding change: c.254G>A on transcript NM_000361.3 (MANE Select); coding-DNA position 254, G replaced by A.
Protein change: p.Arg85His; replaces arginine 85 with histidine.
Molecular consequence: missense variant.
Genome position (GRCh38, 1-based): chr20:23,049,251, C>T on the plus strand (G>A on the coding strand, the complement: THBD is on the minus strand). VCF-style: chr20-23049251-C-T. GRCh37 (hg19) VCF-style: chr20-23029888-C-T.
Other names: short protein forms R85H.
Identifiers: ClinVar variation 2003700 (VCV002003700.6), dbSNP rs1462083784, ClinGen allele CA408408073.

ClinVar aggregate classification (germline): Uncertain significance. Review status: criteria provided, multiple submitters, no conflicts (2 of 4 stars). 3 submissions from 3 submitters: Uncertain significance (3). Last evaluated 2025-09-22.

Conditions:
Thrombomodulin-related bleeding disorder (THPH12). Also called: Thrombophilia due to thrombomodulin defect. Identifiers: Orphanet 436169, MedGen C3280976, MONDO:0013775, OMIM 614486.
Atypical hemolytic-uremic syndrome with thrombomodulin anomaly. Also called: HEMOLYTIC UREMIC SYNDROME, ATYPICAL, SUSCEPTIBILITY TO, 6; AHUS, SUSCEPTIBILITY TO, 6. Identifiers: MedGen C2752036, MONDO:0013044, OMIM 612926. Disease mechanism: gain of function.

Allele frequency attached by ClinVar (database versions not stated): gnomAD exomes 0.00001; TOPMed 0.00001.
gnomAD v4.1: 6 of 1,544,580 alleles (0.00039%); highest among the groups gnomAD compares: East Asian, 0.015%; no homozygotes.

Submissions (3):

Genomenon, Inc
Classification: Uncertain significance for Thrombomodulin-related bleeding disorder. Last evaluated: 2025-09-22. Review status: criteria provided, single submitter. Criteria: Genomenon Sequence Variant Interpretation Standards - Updated. Collection method: curation. Allele origin: germline. Affected: no.
Comment: THBD p.Arg85His (c.254G>A) is a missense variant that changes the amino acid at residue 85 from Arginine to Histidine. This variant has been reported in the published literature (PMID:34326846;38632857). It is absent or not present at a significant frequency in gnomAD. In silico models agree that this variant is not damaging. In conclusion, we classify THBD p.Arg85His (c.254G>A) as a variant of unknown significance.

Fulgent Genetics
Classification: Uncertain significance for Atypical hemolytic-uremic syndrome with thrombomodulin anomaly; Thrombomodulin-related bleeding disorder. Last evaluated: 2024-01-28. Review status: criteria provided, single submitter. Criteria: ACMG Guidelines, 2015. Collection method: clinical testing. Allele origin: germline.

Labcorp Genetics (formerly Invitae), Labcorp
Classification: Uncertain significance. Last evaluated: 2022-10-03. Review status: criteria provided, single submitter. Criteria: Invitae Variant Classification Sherloc (09022015). Collection method: clinical testing. Allele origin: germline.
Comment: In summary, the available evidence is currently insufficient to determine the role of this variant in disease. Therefore, it has been classified as a Variant of Uncertain Significance. Advanced modeling of protein sequence and biophysical properties (such as structural, functional, and spatial information, amino acid conservation, physicochemical variation, residue mobility, and thermodynamic stability) performed at Invitae indicates that this missense variant is not expected to disrupt THBD protein function. This variant has not been reported in the literature in individuals affected with THBD-related conditions. This variant is present in population databases (no rsID available, gnomAD 0.01%). This sequence change replaces arginine, which is basic and polar, with histidine, which is basic and polar, at codon 85 of the THBD protein (p.Arg85His).

Literature cited by the submitters: PubMed 34326846 (cited by Genomenon, Inc); PubMed 38632857 (cited by Genomenon, Inc).